The following is an entry in ClinVar:

NM_006939.4(SOS2):c.1187G>A (p.Arg396His)

Gene: SOS2 (SOS Ras/Rho guanine nucleotide exchange factor 2; minus strand). Cytogenetic location: 14q21.3.
Variant type: single nucleotide variant.
Coding change: c.1187G>A on transcript NM_006939.4 (MANE Select); coding-DNA position 1187, G replaced by A.
Protein change: p.Arg396His; replaces arginine 396 with histidine.
Molecular consequence: missense variant.
Genome position (GRCh38, 1-based): chr14:50,161,491, C>T on the plus strand (G>A on the coding strand, the complement: SOS2 is on the minus strand). VCF-style: chr14-50161491-C-T. GRCh37 (hg19) VCF-style: chr14-50628209-C-T.
Other names: c.1187G>A (NM_006939.3); c.1088G>A, p.Arg363His (NM_001411020.1); short protein forms R363H, R396H.
Identifiers: ClinVar variation 1743778 (VCV001743778.5), dbSNP rs770781571, ClinGen allele CA7177329.

ClinVar aggregate classification (germline): Conflicting classifications of pathogenicity. Review status: criteria provided, conflicting classifications (1 of 4 stars). 3 submissions from 3 submitters: Uncertain significance (2); Likely benign (1). Last evaluated 2025-06-04.

Conditions:
Cardiovascular phenotype. Identifiers: MedGen CN230736.
Noonan syndrome 9 (NS9). Identifiers: Orphanet 648, MedGen C4225282, MONDO:0014691, OMIM 616559.

Allele frequency attached by ClinVar (database versions not stated): gnomAD 0.00004; gnomAD exomes 0.00002; ExAC 0.00004; TOPMed 0.00002.
gnomAD v4.1: 40 of 1,611,480 alleles (0.0025%); highest among the groups gnomAD compares: East Asian, 0.013%; no homozygotes.

Submissions (3):

Labcorp Genetics (formerly Invitae), Labcorp
Classification: Likely benign for Noonan syndrome 9. Last evaluated: 2025-06-04. Review status: criteria provided, single submitter. Criteria: Invitae Variant Classification Sherloc (09022015). Collection method: clinical testing. Allele origin: germline.

Ambry Genetics
Classification: Uncertain significance for Cardiovascular phenotype. Last evaluated: 2022-09-28. Review status: criteria provided, single submitter. Criteria: Ambry Variant Classification Scheme 2023. Collection method: clinical testing. Allele origin: germline.
Comment: The p.R396H variant (also known as c.1187G>A), located in coding exon 9 of the SOS2 gene, results from a G to A substitution at nucleotide position 1187. The arginine at codon 396 is replaced by histidine, an amino acid with highly similar properties. This amino acid position is conserved. In addition, the in silico prediction for this alteration is inconclusive. Since supporting evidence is limited at this time, the clinical significance of this alteration remains unclear.

Clinical Genetics Laboratory, Skane University Hospital Lund
Classification: Uncertain significance. Last evaluated: 2022-05-27. Review status: criteria provided, single submitter. Criteria: ACMG Guidelines, 2015. Collection method: clinical testing. Allele origin: germline. Affected: yes.